The following is an entry in ClinVar:

NM_176869.3(PPA2):c.513C>T (p.Cys171=)

Gene: PPA2 (inorganic pyrophosphatase 2; minus strand). Cytogenetic location: 4q24.
Variant type: single nucleotide variant.
Coding change: c.513C>T on transcript NM_176869.3 (MANE Select); coding-DNA position 513, C replaced by T.
Protein change: p.Cys171=; no amino-acid change (cysteine 171 retained).
Molecular consequence: synonymous variant. On other transcripts: intron variant (3).
Genome position (GRCh38, 1-based): chr4:105,437,965, G>A on the plus strand (C>T on the coding strand, the complement: PPA2 is on the minus strand). VCF-style: chr4-105437965-G-A. GRCh37 (hg19) VCF-style: chr4-106359122-G-A.
Other names: p.Cys171=; c.157+35929C>T (NM_176867.3); c.223-13643C>T (NM_176866.2); c.441+8418C>T (NM_006903.4).
Identifiers: ClinVar variation 773156 (VCV000773156.25), dbSNP rs138826533, ClinGen allele CA3032510.

ClinVar aggregate classification (germline): Benign/Likely benign. Review status: criteria provided, multiple submitters, no conflicts (2 of 4 stars). 10 submissions from 10 submitters: Benign (2); Likely benign (6). 2 of the submissions do not count toward it. Last evaluated 2026-08-01.

Conditions:
Inborn genetic diseases. Identifiers: MedGen C0950123, MeSH D030342.

Allele frequency attached by ClinVar (database versions not stated): 1000 Genomes Project 0.00120; 1000 Genomes Project 30x 0.00141; gnomAD exomes 0.00235 and 0.00383; ExAC 0.00242; ESP Exome Variant Server 0.00246; TOPMed 0.00255; gnomAD 0.00280 and 0.00285.
gnomAD v4.1: 5,951 of 1,604,906 alleles (0.37%); highest among the groups gnomAD compares: Non-Finnish European, 0.45%; 16 homozygotes.

Submissions (10):

CeGaT Center for Human Genetics Tuebingen
Classification: Likely benign. Last evaluated: 2026-08-01. Review status: criteria provided, single submitter. Criteria: CeGaT Center For Human Genetics Tuebingen Variant Classification Criteria Version 2. Collection method: clinical testing. Allele origin: germline. Affected: yes. Observed: 8 variant alleles.
Comment: PPA2: BP4, BS2

Labcorp Genetics (formerly Invitae), Labcorp
Classification: Benign. Last evaluated: 2026-02-01. Review status: criteria provided, single submitter. Criteria: Invitae Variant Classification Sherloc (09022015). Collection method: clinical testing. Allele origin: germline.

Molecular Diagnostic Laboratory for Inherited Cardiovascular Disease, Montreal Heart Institute
Classification: Likely benign. Last evaluated: 2025-04-09. Review status: criteria provided, single submitter. Criteria: ACMG Guidelines, 2015. Collection method: clinical testing. Allele origin: germline. Affected: no.

Mayo Clinic Laboratories, Mayo Clinic
Classification: Benign. Last evaluated: 2025-03-19. Review status: criteria provided, single submitter. Criteria: ACMG Guidelines, 2015. Collection method: clinical testing. Allele origin: germline. Observed: 6 variant alleles.
Comment: BS1, BS2, BP4, BP7

Blueprint Genetics
Classification: Likely benign. Last evaluated: 2024-11-18. Review status: criteria provided, single submitter. Criteria: ACMG Guidelines, 2015. Collection method: clinical testing. Allele origin: germline.

Ambry Genetics
Classification: Likely benign for Inborn genetic diseases. Last evaluated: 2024-05-15. Review status: criteria provided, single submitter. Criteria: Ambry Variant Classification Scheme 2023. Collection method: clinical testing. Allele origin: germline.

GeneDx
Classification: Likely benign. Last evaluated: 2021-02-26. Review status: criteria provided, single submitter. Criteria: GeneDx Variant Classification Process June 2021. Collection method: clinical testing. Allele origin: germline. Affected: yes.

Breakthrough Genomics
Classification: Likely benign. Review status: criteria provided, single submitter. Criteria: ACMG Guidelines, 2015. Collection method: not provided. Allele origin: germline. Inheritance: Autosomal recessive inheritance. Affected: yes.

Clinical Genetics DNA and cytogenetics Diagnostics Lab, Erasmus MC, Erasmus Medical Center
Classification: Likely benign. Review status: no assertion criteria provided. Collection method: clinical testing. Allele origin: germline. Affected: yes. Study: VKGL Data-share Consensus. Not counted in ClinVar's aggregate classification.

Clinical Genetics, Academic Medical Center
Classification: Benign. Review status: no assertion criteria provided. Collection method: clinical testing. Allele origin: germline. Affected: yes. Study: VKGL Data-share Consensus. Not counted in ClinVar's aggregate classification.

Literature cited by the submitters: PubMed 31785789 (cited by Mayo Clinic Laboratories, Mayo Clinic).